The following is an entry in ClinVar:

NM_024740.2(ALG9):c.1473-14T>C

Gene: ALG9 (ALG9 alpha-1,2-mannosyltransferase; minus strand). Cytogenetic location: 11q23.1.
Variant type: single nucleotide variant.
Coding change: c.1473-14T>C on transcript NM_024740.2 (MANE Select); 14 bases into the intron before coding-DNA position 1473, T replaced by C.
Molecular consequence: intron variant.
Genome position (GRCh38, 1-based): chr11:111,836,308, A>G on the plus strand (T>C on the coding strand, the complement: ALG9 is on the minus strand). VCF-style: chr11-111836308-A-G. GRCh37 (hg19) VCF-style: chr11-111707031-A-G.
Other names: c.939-14T>C (NM_001352409.1, NM_001352410.1, NM_001352412.2 and 6 more transcripts); c.1329-14T>C (NM_001352418.1); c.1452-14T>C (NM_001352417.1, NM_001077690.1); c.960-14T>C (NM_001352413.1, NM_001352414.2, NM_001077691.2 and 1 more transcripts); c.864-14T>C (NM_001352422.2); c.816-14T>C (NM_001352423.2).
Identifiers: ClinVar variation 379946 (VCV000379946.14), dbSNP rs187507214, ClinGen allele CA6274410.

ClinVar aggregate classification (germline): Benign. Review status: criteria provided, multiple submitters, no conflicts (2 of 4 stars). 5 submissions from 4 submitters: Benign (5). Last evaluated 2026-01-05.

Conditions:
Gillessen-Kaesbach-Nishimura syndrome (GIKANIS). Identifiers: MedGen C1849762, MONDO:0009890, OMIM 263210.
ALG9 congenital disorder of glycosylation (CDG1L). Also called: CDG Il; CONGENITAL DISORDER OF GLYCOSYLATION, TYPE Il; ALG9-CDG. Identifiers: Orphanet 79328, MedGen C2931006, MONDO:0012117, OMIM 608776.

Allele frequency attached by ClinVar (database versions not stated): 1000 Genomes Project 0.00439; 1000 Genomes Project 30x 0.00515; gnomAD 0.00657 and 0.00658; gnomAD exomes 0.00708 and 0.00815; ExAC 0.00709; TOPMed 0.00746; ESP Exome Variant Server 0.00776.
gnomAD v4.1: 12,921 of 1,613,840 alleles (0.8%); highest among the groups gnomAD compares: Middle Eastern, 2.4%; 68 homozygotes.

Submissions (5):

Labcorp Genetics (formerly Invitae), Labcorp
Classification: Benign for ALG9 congenital disorder of glycosylation. Last evaluated: 2026-01-05. Review status: criteria provided, single submitter. Criteria: Invitae Variant Classification Sherloc (09022015). Collection method: clinical testing. Allele origin: germline.

Genome-Nilou Lab
Classification: Benign for ALG9 congenital disorder of glycosylation. Last evaluated: 2021-07-14. Review status: criteria provided, single submitter. Criteria: ACMG Guidelines, 2015. Collection method: clinical testing. Allele origin: germline. Affected: no.

Genome-Nilou Lab
Classification: Benign for Gillessen-Kaesbach-Nishimura syndrome. Last evaluated: 2021-07-14. Review status: criteria provided, single submitter. Criteria: ACMG Guidelines, 2015. Collection method: clinical testing. Allele origin: germline. Affected: no.

GeneDx
Classification: Benign. Last evaluated: 2017-05-23. Review status: criteria provided, single submitter. Criteria: GeneDx Variant Classification (06012015). Collection method: clinical testing. Allele origin: germline. Affected: yes.
Comment: This variant is considered likely benign or benign based on one or more of the following criteria: it is a conservative change, it occurs at a poorly conserved position in the protein, it is predicted to be benign by multiple in silico algorithms, and/or has population frequency not consistent with disease.

Breakthrough Genomics
Classification: Benign. Review status: criteria provided, single submitter. Criteria: ACMG Guidelines, 2015. Collection method: not provided. Allele origin: germline. Inheritance: Autosomal recessive inheritance. Affected: yes.